The following is an entry in ClinVar:

ClinVar aggregate classification (germline): Uncertain significance (1 of 4 stars; one submission).

Conditions:
Primary ciliary dyskinesia. Also called: Ciliary dyskinesia. Identifiers: Orphanet 244, MedGen C0008780, MONDO:0016575, HP:0012265.

Allele frequency attached by ClinVar (database versions not stated): gnomAD 0.00001; 1000 Genomes Project 30x 0.00016.

Submission:

Labcorp Genetics (formerly Invitae), Labcorp
Classification: Uncertain significance for Primary ciliary dyskinesia. Last evaluated: 2024-05-06. Review status: criteria provided, single submitter. Criteria: Invitae Variant Classification Sherloc (09022015). Collection method: clinical testing. Allele origin: germline.
Comment: This sequence change replaces arginine, which is basic and polar, with glutamine, which is neutral and polar, at codon 104 of the DNAAF2 protein (p.Arg104Gln). This variant is not present in population databases (gnomAD no frequency). This variant has not been reported in the literature in individuals affected with DNAAF2-related conditions. Advanced modeling of protein sequence and biophysical properties (such as structural, functional, and spatial information, amino acid conservation, physicochemical variation, residue mobility, and thermodynamic stability) performed at Invitae indicates that this missense variant is not expected to disrupt DNAAF2 protein function with a negative predictive value of 80%. In summary, the available evidence is currently insufficient to determine the role of this variant in disease. Therefore, it has been classified as a Variant of Uncertain Significance.

NM_018139.3(DNAAF2):c.311G>A (p.Arg104Gln)

Gene: DNAAF2 (dynein axonemal assembly factor 2; minus strand). Cytogenetic location: 14q21.3.
Variant type: single nucleotide variant.
Coding change: c.311G>A on transcript NM_018139.3 (MANE Select); coding-DNA position 311, G replaced by A.
Protein change: p.Arg104Gln; replaces arginine 104 with glutamine.
Molecular consequence: missense variant.
Genome position (GRCh38, 1-based): chr14:49,634,839, C>T on the plus strand (G>A on the coding strand, the complement: DNAAF2 is on the minus strand). VCF-style: chr14-49634839-C-T. GRCh37 (hg19) VCF-style: chr14-50101557-C-T.
Other names: c.311G>A, p.Arg104Gln (NM_001083908.2); short protein forms R104Q.
Identifiers: ClinVar variation 2986822 (VCV002986822.3), dbSNP rs2139584082, ClinGen allele CA389632110.